The following is an entry in ClinVar:

NM_004752.4(GCM2):c.1A>G (p.Met1Val)

Gene: GCM2 (glial cells missing transcription factor 2; minus strand). Cytogenetic location: 6p24.2.
Variant type: single nucleotide variant.
Coding change: c.1A>G on transcript NM_004752.4 (MANE Select); coding-DNA position 1, A replaced by G.
Protein change: p.Met1Val; changes the start codon (methionine 1).
Molecular consequence: missense variant, initiator codon variant.
Genome position (GRCh38, 1-based): chr6:10,881,793, T>C on the plus strand (A>G on the coding strand, the complement: GCM2 is on the minus strand). VCF-style: chr6-10881793-T-C. GRCh37 (hg19) VCF-style: chr6-10882026-T-C.
Other names: short protein forms M1V.
Identifiers: ClinVar variation 1299514 (VCV001299514.2), dbSNP rs2113257238, ClinGen allele CA362725625.

ClinVar aggregate classification (germline): Likely pathogenic (1 of 4 stars; one submission).

Conditions:
Hyperparathyroidism 4 (HRPT4). Identifiers: MedGen C4479229, MONDO:0024570, OMIM 617343.

Submission:

Laboratory of Medical Genetics, National & Kapodistrian University of Athens
Classification: Likely pathogenic for Hyperparathyroidism 4. Last evaluated: 2021-10-01. Review status: criteria provided, single submitter. Criteria: ACMG Guidelines, 2015. Collection method: clinical testing. Allele origin: unknown. Affected: yes.
Comment: PVS1, PM2

Literature cited by the submitters: PubMed 34008892.